The following is an entry in ClinVar:

NM_000059.4(BRCA2):c.5595_5596del (p.Phe1866fs)

Gene: BRCA2 (BRCA2 DNA repair associated; plus strand). Cytogenetic location: 13q13.1.
Variant type: Microsatellite.
Coding change: c.5595_5596del on transcript NM_000059.4 (MANE Select); coding-DNA positions 5595 to 5596, 2 bases deleted (AT; older notation c.5595_5596delAT).
Protein change: p.Phe1866fs; shifts the reading frame from phenylalanine 1866.
Molecular consequence: frameshift variant.
Genome position (GRCh38, 1-based): chr13:32,339,950-32,339,951, AT deleted; deleting any 2 consecutive bases within chr13:32,339,948-32,339,951 gives the same sequence; the c. name uses the placement nearest the transcript's 3' end. VCF-style (leftmost placement, unchanged base first): chr13-32339947-CAT-C. GRCh37 (hg19) VCF-style: chr13-32914084-CAT-C.
Other names: 5823delAT; c.5595_5596delAT (NM_000059.3); short protein forms F1866fs.
Identifiers: ClinVar variation 37977 (VCV000037977.44), dbSNP rs80359524, ClinGen allele CA022668.

ClinVar aggregate classification (germline): Pathogenic. Review status: reviewed by expert panel (3 of 4 stars). 14 submissions from 14 submitters: Pathogenic (1). 13 of the submissions do not count toward it. Last evaluated 2016-09-08.

Conditions:
Pancreatic cancer, susceptibility to, 2. Identifiers: Orphanet 1333, MedGen C3150546, MONDO:0013235, OMIM 613347.
Glioma susceptibility 3 (GLM3). Also called: Glioblastoma 3. Identifiers: Orphanet 182067, Orphanet 360, MedGen C2751641, MONDO:0013093, OMIM 613029.
Familial prostate cancer. Also called: Hereditary Prostate Cancer. Identifiers: MedGen C2931456, MONDO:0700275, OMIM 176807.
Breast-ovarian cancer, familial, susceptibility to, 2 (BROVCA2). Also called: BRCA2 Hereditary Breast and Ovarian Cancer. Identifiers: Orphanet 145, MedGen C2675520, MONDO:0012933, OMIM 612555. Disease mechanism: loss of function.
Fanconi anemia complementation group D1. Also called: BRCA2-Related Fanconi Anemia. Identifiers: Orphanet 319462, MedGen C1838457, MONDO:0011584, OMIM 605724.
Medulloblastoma (MDB). Also called: Medulloblastoma, somatic; MEDULLOBLASTOMA PREDISPOSITION SYNDROME. Identifiers: Orphanet 616, MedGen C0025149, MeSH D008527, MONDO:0007959, OMIM 155255, HP:0002885.
Wilms tumor 1 (WT1). Also called: Wilms tumor, somatic. Identifiers: Orphanet 654, MedGen CN033288, MONDO:0008679, OMIM 194070.
Familial cancer of breast. Also called: BREAST CANCER, FAMILIAL; hereditary breast carcinoma; Hereditary breast cancer. Identifiers: Orphanet 227535, MedGen C0346153, MONDO:0016419, OMIM 114480. Disease mechanism: loss of function.
Hereditary cancer-predisposing syndrome. Also called: Neoplastic Syndromes, Hereditary; Tumor predisposition; Hereditary Cancer Syndrome; Hereditary neoplastic syndrome. Identifiers: Orphanet 140162, MedGen C0027672, MeSH D009386, MONDO:0015356.
Hereditary breast ovarian cancer syndrome. Also called: Breast and ovarian cancer; Hereditary breast and ovarian cancer; Hereditary breast and ovarian cancer syndrome (HBOC); Hereditary breast and ovarian cancer syndrome; BRCA1- and BRCA2-Associated Hereditary Breast and Ovarian Cancer; Hereditary breast and/or ovarian cancer syndrome. Identifiers: Orphanet 145, MedGen C0677776, MeSH D061325, MONDO:0003582. Disease mechanism: loss of function.

Submissions (14):

Evidence-based Network for the Interpretation of Germline Mutant Alleles (ENIGMA)
Classification: Pathogenic for Breast-ovarian cancer, familial, susceptibility to, 2. Last evaluated: 2016-09-08. Review status: reviewed by expert panel. Criteria: ENIGMA BRCA1/2 Classification Criteria (2015). Collection method: curation. Allele origin: germline.
Comment: Variant allele predicted to encode a truncated non-functional protein.

Labcorp Genetics (formerly Invitae), Labcorp
Classification: Pathogenic for Hereditary breast ovarian cancer syndrome. Last evaluated: 2025-02-21. Review status: criteria provided, single submitter. Criteria: Invitae Variant Classification Sherloc (09022015). Collection method: clinical testing. Allele origin: germline. Not counted in ClinVar's aggregate classification.
Comment: This sequence change creates a premature translational stop signal (p.Phe1866Tyrfs*6) in the BRCA2 gene. It is expected to result in an absent or disrupted protein product. Loss-of-function variants in BRCA2 are known to be pathogenic (PMID: 20104584). This variant is not present in population databases (gnomAD no frequency). This variant has not been reported in the literature in individuals affected with BRCA2-related conditions. This variant is also known as 5823delAT. ClinVar contains an entry for this variant (Variation ID: 37977). For these reasons, this variant has been classified as Pathogenic.

Women's Health and Genetics/Laboratory Corporation of America, LabCorp
Classification: Pathogenic for Hereditary breast ovarian cancer syndrome. Last evaluated: 2025-01-31. Review status: criteria provided, single submitter. Criteria: LabCorp Variant Classification Summary - May 2015. Collection method: clinical testing. Allele origin: germline. Not counted in ClinVar's aggregate classification.
Comment: Variant summary: BRCA2 c.5595_5596delAT (p.Phe1866TyrfsX6) results in a premature termination codon, predicted to cause a truncation of the encoded protein or absence of the protein due to nonsense mediated decay, which are commonly known mechanisms for disease. The variant was absent in 246000 control chromosomes. c.5595_5596delAT has been reported in the literature in individuals affected with Hereditary Breast And Ovarian Cancer Syndrome (example: Rebbeck_2018). These data indicate that the variant may be associated with disease. To our knowledge, no experimental evidence demonstrating an impact on protein function has been reported. The following publication has been ascertained in the context of this evaluation (PMID: 29446198). ClinVar contains an entry for this variant (Variation ID: 37977). Based on the evidence outlined above, the variant was classified as pathogenic.

GeneDx
Classification: Pathogenic. Last evaluated: 2024-12-26. Review status: criteria provided, single submitter. Criteria: GeneDx Variant Classification Process June 2021. Collection method: clinical testing. Allele origin: germline. Not counted in ClinVar's aggregate classification.
Comment: Observed in individuals with a personal or family history consistent with pathogenic variants in this gene (PMID: 10188893, 24737347, 30078507, 33403015); Frameshift variant predicted to result in protein truncation or nonsense mediated decay in a gene for which loss of function is a known mechanism of disease; Truncating variants in this gene are considered pathogenic by a well-established clinical consortium and/or database; Not observed at significant frequency in large population cohorts (gnomAD); Also known as 5823_5824delAT or 5823delAT; This variant is associated with the following publications: (PMID: 36113475, 30982232, 10188893, 33403015, 30078507, 24737347)

Ambry Genetics
Classification: Pathogenic for Hereditary cancer-predisposing syndrome. Last evaluated: 2023-06-20. Review status: criteria provided, single submitter. Criteria: Ambry Variant Classification Scheme 2023. Collection method: clinical testing. Allele origin: germline. Not counted in ClinVar's aggregate classification.
Comment: The c.5595_5596delAT pathogenic mutation, located in coding exon 10 of the BRCA2 gene, results from a deletion of two nucleotides at nucleotide positions 5595 and 5596, causing a translational frameshift with a predicted alternate stop codon (p.F1866Yfs*6). This deletion was first reported in an HBOC family in the Netherlands (Ligtenberg MJ et al. Br. J. Cancer. 1999 Mar;79:1475-8). It has also been reported in one individual with pancreatic cancer who had no history of tobacco use (Lucas AL et al. Cancer. 2014 Jul;120:1960-7). Of note, this alteration is also designated as 5823delAT in the published literature. In addition to the clinical data presented in the literature, this alteration is expected to result in loss of function by premature protein truncation or nonsense-mediated mRNA decay. As such, this alteration is interpreted as a disease-causing mutation.

Baylor Genetics
Classification: Pathogenic for Familial cancer of breast. Last evaluated: 2023-03-27. Review status: criteria provided, single submitter. Criteria: ACMG Guidelines, 2015. Collection method: clinical testing. Allele origin: unknown. Not counted in ClinVar's aggregate classification.

Quest Diagnostics Nichols Institute San Juan Capistrano
Classification: Pathogenic. Last evaluated: 2021-05-10. Review status: criteria provided, single submitter. Criteria: Quest Diagnostics criteria. Collection method: clinical testing. Allele origin: unknown. Not counted in ClinVar's aggregate classification.
Comment: This frameshift variant causes the premature termination of BRCA2 protein synthesis. It has been reported in individuals with breast cancer, ovarian cancer, and pancreatic cancer in the published literature (PMID: 10188893 (2020), 30078507 (2018), 24737347 (2014), 10188893 (1999)). This variant has not been reported in large, multi-ethnic general populations. Based on the available information, this variant is classified as pathogenic.

Consortium of Investigators of Modifiers of BRCA1/2 (CIMBA), c/o University of Cambridge
Classification: Pathogenic for Breast-ovarian cancer, familial, susceptibility to, 2. Last evaluated: 2015-10-02. Review status: criteria provided, single submitter. Criteria: CIMBA Mutation Classification guidelines May 2016. Collection method: clinical testing. Allele origin: germline. Not counted in ClinVar's aggregate classification.

Department of Pathology and Laboratory Medicine, Sinai Health System
Classification: Pathogenic for Hereditary breast ovarian cancer syndrome. Review status: criteria provided, single submitter. Criteria: ACMG Guidelines, 2015. Collection method: clinical testing. Allele origin: germline. Affected: yes. Study: The Canadian Open Genetics Repository (COGR). Not counted in ClinVar's aggregate classification.

Juno Genomics, Hangzhou Juno Genomics, Inc
Classification: Pathogenic for Familial cancer of breast; Breast-ovarian cancer, familial, susceptibility to, 2; Glioma susceptibility 3; Medulloblastoma; Pancreatic cancer, susceptibility to, 2; Familial prostate cancer; Fanconi anemia complementation group D1; Wilms tumor 1. Review status: criteria provided, single submitter. Criteria: ACMG Guidelines, 2015. Collection method: clinical testing. Allele origin: germline. Not counted in ClinVar's aggregate classification.
Comment: Null variant in a gene where loss of function (LOF) is a known mechanism of disease.;Absent from controls (or at extremely low frequency if recessive) in Genome Aggregation Database.;The prevalence of the variant in affected individuals is significantly increased compared to the prevalence in controls.

BRCAlab, Lund University
Classification: Pathogenic for Breast-ovarian cancer, familial, susceptibility to, 2. Last evaluated: 2022-08-26. Review status: no assertion criteria provided. Collection method: clinical testing. Allele origin: germline. Affected: yes. Not counted in ClinVar's aggregate classification.

Research Molecular Genetics Laboratory, Women's College Hospital, University of Toronto
Classification: Pathogenic for Hereditary breast ovarian cancer syndrome. Last evaluated: 2014-01-31. Review status: no assertion criteria provided. Collection method: research. Allele origin: germline. Affected: yes. Study: The Canadian Open Genetics Repository (COGR). Not counted in ClinVar's aggregate classification.

Sharing Clinical Reports Project (SCRP)
Classification: Pathogenic for Breast-ovarian cancer, familial 2. Last evaluated: 2012-10-29. Review status: no assertion criteria provided. Collection method: clinical testing. Allele origin: germline. Not counted in ClinVar's aggregate classification.

Breast Cancer Information Core (BIC) (BRCA2)
Classification: Pathogenic for Breast-ovarian cancer, familial 2. Last evaluated: 1998-08-25. Review status: no assertion criteria provided. Collection method: clinical testing. Allele origin: germline. Affected: yes. Observed: 3 variant alleles. Not counted in ClinVar's aggregate classification.

Literature cited by the submitters: PubMed 20104584 (cited by Labcorp Genetics (formerly Invitae), Labcorp); PubMed 29446198 (cited by Women's Health and Genetics/Laboratory Corporation of America, LabCorp); PubMed 10188893 (cited by Ambry Genetics and Quest Diagnostics Nichols Institute San Juan Capistrano); PubMed 24737347 (cited by Ambry Genetics and Quest Diagnostics Nichols Institute San Juan Capistrano); PubMed 30078507 (cited by Quest Diagnostics Nichols Institute San Juan Capistrano); PubMed 33403015 (cited by Quest Diagnostics Nichols Institute San Juan Capistrano).